The following is an entry in ClinVar:

ClinVar aggregate classification (germline): Uncertain significance (1 of 4 stars; one submission).

Submission:

GeneDx
Classification: Uncertain significance. Last evaluated: 2025-06-20. Review status: criteria provided, single submitter. Criteria: GeneDx Variant Classification Process June 2021. Collection method: clinical testing. Allele origin: germline. Affected: yes.
Comment: Not observed at significant frequency in large population cohorts (gnomAD); In silico analysis supports a deleterious effect on splicing; Has not been previously published as pathogenic or benign to our knowledge

NM_001354604.2(MITF):c.1180-30_1180-5del

Gene: MITF (melanocyte inducing transcription factor; plus strand). Cytogenetic location: 3p13.
Variant type: Deletion.
Coding change: c.1180-30_1180-5del on transcript NM_001354604.2 (MANE Select); 30 bases into the intron before coding-DNA position 1180 through 5 bases into the intron before coding-DNA position 1180, 26 bases deleted (TTCAGTGTTTTATCTTTACTCTTATT).
Molecular consequence: intron variant.
Genome position (GRCh38, 1-based): chr3:69,964,817-69,964,842, TTCAGTGTTTTATCTTTACTCTTATT deleted; deleting any 26 consecutive bases within chr3:69,964,816-69,964,842 gives the same sequence; the c. name uses the placement nearest the transcript's 3' end. VCF-style (leftmost placement, unchanged base first): chr3-69964815-ATTTCAGTGTTTTATCTTTACTCTTAT-A. GRCh37 (hg19) VCF-style: chr3-70013966-ATTTCAGTGTTTTATCTTTACTCTTAT-A.
Other names: c.1111-30_1111-5del (NM_001354607.2); c.1006-30_1006-5del (NM_001354608.2, NM_001184967.2); c.1162-30_1162-5del (NM_198159.3); c.1177-30_1177-5del (NM_001354605.2); c.1159-30_1159-5del (NM_001354606.2, NM_006722.3); c.1114-30_1114-5del (NM_198177.3); c.859-30_859-5del (NM_000248.4); c.841-30_841-5del (NM_198158.3); and 1 more.
Identifiers: ClinVar variation 4538667 (VCV004538667.1).
Genomic context (GRCh38, chr3:69,964,815, plus strand): 5'-TACCATTATAGTATCATATAGAGTGGTTTCACAGGCTTAAAAGTCCTCTGTGCTCTGCCT[ATTTCAGTGTTTTATCTTTACTCTTAT>A]TATAGGAACTTGAAATGCAGGCTCGAGCTCATGGACTTTCCCTTATTCCATCCACGGGTC-3'